The following is an entry in ClinVar:

NM_001830.4(CLCN4):c.1716C>A (p.Tyr572Ter)

Gene: CLCN4 (chloride voltage-gated channel 4; plus strand). Cytogenetic location: Xp22.2.
Variant type: single nucleotide variant.
Coding change: c.1716C>A on transcript NM_001830.4 (MANE Select); coding-DNA position 1716, C replaced by A.
Protein change: p.Tyr572Ter; replaces tyrosine 572 with a stop codon.
Molecular consequence: nonsense.
Genome position (GRCh38, 1-based): chrX:10,213,820, C>A. VCF-style: chrX-10213820-C-A. GRCh37 (hg19) VCF-style: chrX-10181860-C-A.
Other names: c.1434C>A, p.Tyr478Ter (NM_001256944.2); short protein forms Y478*, Y572*.
Identifiers: ClinVar variation 2849855 (VCV002849855.3), dbSNP rs768150344, ClinGen allele CA412041876.
Genomic context (GRCh38, chrX:10,213,820, plus strand): 5'-GATGGCGGCGGCTGTGACCAGCAAGTGGGTAGCTGATGCATTTGGGAAAGAAGGCATCTA[C>A]GAGGCCCACATCCACTTAAATGGGTACCCTTTCCTTGACGTGAAGGACGAGTTTACTCAC-3'

ClinVar aggregate classification (germline): Pathogenic (1 of 4 stars; one submission).

Submission:

Labcorp Genetics (formerly Invitae), Labcorp
Classification: Pathogenic. Last evaluated: 2023-03-26. Review status: criteria provided, single submitter. Criteria: Invitae Variant Classification Sherloc (09022015). Collection method: clinical testing. Allele origin: germline.
Comment: This variant has not been reported in the literature in individuals affected with CLCN4-related conditions. For these reasons, this variant has been classified as Pathogenic. This variant is not present in population databases (gnomAD no frequency). This sequence change creates a premature translational stop signal (p.Tyr572*) in the CLCN4 gene. It is expected to result in an absent or disrupted protein product. Loss-of-function variants in CLCN4 are known to be pathogenic (PMID: 27550844).

Literature cited by the submitters: PubMed 27550844.